The following is an entry in ClinVar:

NM_001352754.2(ARMC9):c.2413T>C (p.Ser805Pro)

Gene: ARMC9 (armadillo repeat containing 9; plus strand). Cytogenetic location: 2q37.1.
Variant type: single nucleotide variant.
Coding change: c.2413T>C on transcript NM_001352754.2 (MANE Select); coding-DNA position 2413, T replaced by C.
Protein change: p.Ser805Pro; replaces serine 805 with proline.
Molecular consequence: missense variant.
Genome position (GRCh38, 1-based): chr2:231,370,104, T>C. VCF-style: chr2-231370104-T-C. GRCh37 (hg19) VCF-style: chr2-232234815-T-C.
Other names: c.2413T>C, p.Ser805Pro (NM_001271466.4); short protein forms S805P.
Identifiers: ClinVar variation 1443018 (VCV001443018.6), dbSNP rs2125600609, ClinGen allele CA350959566.
Genomic context (GRCh38, chr2:231,370,104, plus strand): 5'-CTGGCCCCTCTGTTCTCTTCGTGTGGCCCCCAGCAGGCCAGCCGCCCCGGCTCCACAGCG[T>C]CCTCCACAAGGGGCCTGCCGAGTAAGTCAGCCTGGGCCCCACTGGCGTGGGAGCCTGGCC-3'
Protein context (NP_001339683.2, residues 795-815): QQASRPGSTA[Ser805Pro]STRGLPSSQS

ClinVar aggregate classification (germline): Uncertain significance (1 of 4 stars; one submission).

Submission:

Labcorp Genetics (formerly Invitae), Labcorp
Classification: Uncertain significance. Last evaluated: 2022-11-01. Review status: criteria provided, single submitter. Criteria: Invitae Variant Classification Sherloc (09022015). Collection method: clinical testing. Allele origin: germline.
Comment: In summary, the available evidence is currently insufficient to determine the role of this variant in disease. Therefore, it has been classified as a Variant of Uncertain Significance. Experimental studies and prediction algorithms are not available or were not evaluated, and the functional significance of this variant is currently unknown. ClinVar contains an entry for this variant (Variation ID: 1443018). This variant has not been reported in the literature in individuals affected with ARMC9-related conditions. This variant is not present in population databases (gnomAD no frequency). This sequence change replaces serine, which is neutral and polar, with proline, which is neutral and non-polar, at codon 805 of the ARMC9 protein (p.Ser805Pro).